The following is an entry in ClinVar:

NC_012920.1(MT-ND6):m.14307T>C

Gene: MT-ND6 (mitochondrially encoded NADH dehydrogenase 6; minus strand).
Variant type: single nucleotide variant.
Genome position: chrM-14307-T-C.
Identifiers: ClinVar variation 693706 (VCV000693706.1), dbSNP rs1603224663, ClinGen allele CA414821873.

ClinVar aggregate classification (germline): Uncertain significance (1 of 4 stars; one submission).

Conditions:
Leigh syndrome (NULS). Also called: Leigh's necrotizing encephalopathy; Leigh's disease; Leigh's syndrome; LEIGH SYNDROME, NUCLEAR; Leigh Syndrome (mtDNA deletion); Leigh Disease. Identifiers: Orphanet 506, MedGen C2931891, MONDO:0009723, OMIM 256000.

Submission:

Wong Mito Lab, Molecular and Human Genetics, Baylor College of Medicine
Classification: Uncertain significance for Leigh syndrome. Last evaluated: 2019-10-17. Review status: criteria provided, single submitter. Criteria: Modified ACMG Guidelines (Unpublished). Collection method: clinical testing. Allele origin: germline.
Comment: The NC_012920.1:m.14307T>C (YP_003024037.1:p.Ser123Gly) variant in MTND6 gene is interpretated to be a Uncertain Significance variant based on the modified ACMG guidelines (unpublished). This variant meets the following evidence codes: PP6, PP7, BP4